The following is an entry in ClinVar:

ClinVar aggregate classification (germline): Uncertain significance. Review status: criteria provided, multiple submitters, no conflicts (2 of 4 stars). 2 submissions from 2 submitters: Uncertain significance (2). Last evaluated 2026-05-14.

Conditions:
Inborn genetic diseases. Identifiers: MedGen C0950123, MeSH D030342.

Submissions (2):

Ambry Genetics
Classification: Uncertain significance for Inborn genetic diseases. Last evaluated: 2026-05-14. Review status: criteria provided, single submitter. Criteria: Ambry Variant Classification Scheme 2023. Collection method: clinical testing. Allele origin: germline.
Comment: The p.T1721A variant (also known as c.5161A>G), located in coding exon 20 of the FANCM gene, results from an A to G substitution at nucleotide position 5161. The threonine at codon 1721 is replaced by alanine, an amino acid with similar properties. This amino acid position is conserved. In addition, this alteration is predicted to be tolerated by in silico analysis. Based on the available evidence, the clinical significance of this variant remains unclear.

GeneDx
Classification: Uncertain significance. Last evaluated: 2023-06-09. Review status: criteria provided, single submitter. Criteria: GeneDx Variant Classification Process June 2021. Collection method: clinical testing. Allele origin: germline. Affected: yes.
Comment: Not observed at significant frequency in large population cohorts (gnomAD); In silico analysis supports that this missense variant does not alter protein structure/function; Has not been previously published as pathogenic or benign to our knowledge

NM_020937.4(FANCM):c.5161A>G (p.Thr1721Ala)

Gene: FANCM (FA complementation group M; plus strand). Cytogenetic location: 14q21.2.
Variant type: single nucleotide variant.
Coding change: c.5161A>G on transcript NM_020937.4 (MANE Select); coding-DNA position 5161, A replaced by G.
Protein change: p.Thr1721Ala; replaces threonine 1721 with alanine.
Molecular consequence: missense variant.
Genome position (GRCh38, 1-based): chr14:45,189,183, A>G. VCF-style: chr14-45189183-A-G. GRCh37 (hg19) VCF-style: chr14-45658386-A-G.
Other names: c.5083A>G, p.Thr1695Ala (NM_001308133.2); short protein forms T1695A, T1721A.
Identifiers: ClinVar variation 3359715 (VCV003359715.2).
Genomic context (GRCh38, chr14:45,189,183, plus strand): 5'-CAGGACCATTGTTTAAATTCAGTGCCTTCTGGATCTTCTGCGCAGTCCAAGGTGCGTTCT[A>G]CTCCAAGAGTTAATCCATTAGCAAAGCAGAGCAAACAGACATCGCTGAATTTAAAGGATA-3'
Protein context (NP_065988.1, residues 1711-1731): GSSAQSKVRS[Thr1721Ala]PRVNPLAKQS